The following is an entry in ClinVar:

NM_177438.3(DICER1):c.3538_3558dup (p.Asn1186_Gly1187insTyrAsnGlnAsnLeuAlaAsn)

Gene: DICER1 (dicer 1, ribonuclease III; minus strand). Cytogenetic location: 14q32.13.
Variant type: Duplication.
Coding change: c.3538_3558dup on transcript NM_177438.3 (MANE Select); coding-DNA positions 3538 to 3558, 21 bases duplicated (TACAATCAAAATCTCGCCAAT).
Protein change: p.Asn1186_Gly1187insTyrAsnGlnAsnLeuAlaAsn.
Molecular consequence: non-coding transcript variant (on NR_172715.1).
Genome position (GRCh38, 1-based): chr14:95,103,838-95,103,858, ATTGGCGAGATTTTGATTGTA duplicated on the plus strand (TACAATCAAAATCTCGCCAAT on the coding strand, the reverse complement: DICER1 is on the minus strand); duplicating any 21 consecutive bases within chr14:95,103,838-95,103,859 gives the same sequence; the c. name uses the placement nearest the transcript's 3' end. VCF-style (leftmost placement, unchanged base first): chr14-95103837-C-CATTGGCGAGATTTTGATTGTA. GRCh37 (hg19) VCF-style: chr14-95570174-C-CATTGGCGAGATTTTGATTGTA.
Other names: c.3538_3558dup, p.Asn1186_Gly1187insTyrAsnGlnAsnLeuAlaAsn (NM_001195573.1, NM_001271282.3, NM_001291628.2 and 12 more transcripts); c.3256_3276dup, p.Asn1092_Gly1093insTyrAsnGlnAsnLeuAlaAsn (NM_001395686.1); c.3133_3153dup, p.Asn1051_Gly1052insTyrAsnGlnAsnLeuAlaAsn (NM_001395687.1, NM_001395688.1, NM_001395689.1 and 2 more transcripts); c.2971_2991dup, p.Asn997_Gly998insTyrAsnGlnAsnLeuAlaAsn (NM_001395691.1); c.1855_1875dup, p.Asn625_Gly626insTyrAsnGlnAsnLeuAlaAsn (NM_001395697.1).
Identifiers: ClinVar variation 4767565 (VCV004767565.1).

ClinVar aggregate classification (germline): Uncertain significance (1 of 4 stars; one submission).

Conditions:
DICER1-related tumor predisposition. Also called: DICER1-related pleuropulmonary blastoma cancer predisposition syndrome; DICER1 syndrome. Identifiers: Orphanet 284343, MedGen C3839822, MONDO:0100216.

Submission:

Labcorp Genetics (formerly Invitae), Labcorp
Classification: Uncertain significance for DICER1-related tumor predisposition. Last evaluated: 2025-08-13. Review status: criteria provided, single submitter. Criteria: Invitae Variant Classification Sherloc (09022015). Collection method: clinical testing. Allele origin: germline.
Comment: This variant, c.3538_3558dup, results in the insertion of 7 amino acid(s) of the DICER1 protein (p.Tyr1180_Asn1186dup), but otherwise preserves the integrity of the reading frame. This variant is not present in population databases (gnomAD no frequency). This variant has not been reported in the literature in individuals affected with DICER1-related conditions. In summary, the available evidence is currently insufficient to determine the role of this variant in disease. Therefore, it has been classified as a Variant of Uncertain Significance.